The following is an entry in ClinVar:

NM_178857.6(RP1L1):c.11C>G (p.Thr4Ser)

Gene: RP1L1 (RP1 like 1). Cytogenetic location: 8p23.1.
Variant type: single nucleotide variant.
Coding change: c.11C>G on transcript NM_178857.6 (MANE Select); coding-DNA position 11, C replaced by G.
Protein change: p.Thr4Ser; replaces threonine 4 with serine.
Molecular consequence: missense variant.
Genome position (GRCh38, 1-based): chr8:10,623,191, G>C on the plus strand (C>G on the coding strand, the complement: RP1L1 is on the minus strand). VCF-style: chr8-10623191-G-C. GRCh37 (hg19) VCF-style: chr8-10480701-G-C.
Other names: short protein forms T4S.
Identifiers: ClinVar variation 1948018 (VCV001948018.5), dbSNP rs754667501, ClinGen allele CA370301330.
Genomic context (GRCh38, chr8:10,623,191, plus strand): 5'-GTGCGAGCCACAGAGGGCAGGAAGCACTCACGGTGGCTCGGGGCCTGGGCATTCCTGGGG[G>C]TGCTGTTCATGGTGTGGGGGCTCTGGCCGCTGTAACAGGGCAGAGGAAGAGGGGTCAGAG-3'
Protein context (NP_849188.4, residues 1-14): MNS[Thr4Ser]PRNAQAPSHR

ClinVar aggregate classification (germline): Uncertain significance (1 of 4 stars; one submission).

Submission:

Labcorp Genetics (formerly Invitae), Labcorp
Classification: Uncertain significance. Last evaluated: 2025-06-08. Review status: criteria provided, single submitter. Criteria: Invitae Variant Classification Sherloc (09022015). Collection method: clinical testing. Allele origin: germline.
Comment: This sequence change replaces threonine, which is neutral and polar, with serine, which is neutral and polar, at codon 4 of the RP1L1 protein (p.Thr4Ser). This variant is present in population databases (no rsID available, gnomAD 0.06%). This variant has not been reported in the literature in individuals affected with RP1L1-related conditions. ClinVar contains an entry for this variant (Variation ID: 1948018). Invitae Evidence Modeling of protein sequence and biophysical properties (such as structural, functional, and spatial information, amino acid conservation, physicochemical variation, residue mobility, and thermodynamic stability) indicates that this missense variant is not expected to disrupt RP1L1 protein function with a negative predictive value of 80%. In summary, the available evidence is currently insufficient to determine the role of this variant in disease. Therefore, it has been classified as a Variant of Uncertain Significance.